The following is an entry in ClinVar:

NM_014727.3(KMT2B):c.6268G>A (p.Val2090Ile)

Gene: KMT2B (lysine methyltransferase 2B; plus strand). Cytogenetic location: 19q13.12.
Variant type: single nucleotide variant.
Coding change: c.6268G>A on transcript NM_014727.3 (MANE Select); coding-DNA position 6268, G replaced by A.
Protein change: p.Val2090Ile; replaces valine 2090 with isoleucine.
Molecular consequence: missense variant.
Genome position (GRCh38, 1-based): chr19:35,732,817, G>A. VCF-style: chr19-35732817-G-A. GRCh37 (hg19) VCF-style: chr19-36223718-G-A.
Other names: short protein forms V2090I.
Identifiers: ClinVar variation 2433178 (VCV002433178.5), dbSNP rs1337468414, ClinGen allele CA405427419.

ClinVar aggregate classification (germline): Uncertain significance. Review status: criteria provided, multiple submitters, no conflicts (2 of 4 stars). 2 submissions from 2 submitters: Uncertain significance (2). Last evaluated 2024-10-27.

Allele frequency attached by ClinVar (database versions not stated): TOPMed below 0.00001; gnomAD 0.00001.
gnomAD v4.1: 23 of 1,606,598 alleles (0.0014%); highest among the groups gnomAD compares: Non-Finnish European, 0.002%; no homozygotes.

Submissions (2):

Labcorp Genetics (formerly Invitae), Labcorp
Classification: Uncertain significance. Last evaluated: 2024-10-27. Review status: criteria provided, single submitter. Criteria: Invitae Variant Classification Sherloc (09022015). Collection method: clinical testing. Allele origin: germline.
Comment: This sequence change replaces valine, which is neutral and non-polar, with isoleucine, which is neutral and non-polar, at codon 2090 of the KMT2B protein (p.Val2090Ile). The frequency data for this variant in the population databases is considered unreliable, as metrics indicate poor data quality at this position in the gnomAD database. This variant has not been reported in the literature in individuals affected with KMT2B-related conditions. ClinVar contains an entry for this variant (Variation ID: 2433178). Invitae Evidence Modeling of protein sequence and biophysical properties (such as structural, functional, and spatial information, amino acid conservation, physicochemical variation, residue mobility, and thermodynamic stability) indicates that this missense variant is not expected to disrupt KMT2B protein function with a negative predictive value of 80%. In summary, the available evidence is currently insufficient to determine the role of this variant in disease. Therefore, it has been classified as a Variant of Uncertain Significance.

Revvity Omics, Revvity
Classification: Uncertain significance. Last evaluated: 2019-08-02. Review status: criteria provided, single submitter. Criteria: ACMG Guidelines, 2015. Collection method: clinical testing. Allele origin: germline.